The following is an entry in ClinVar:

NM_000051.4(ATM):c.5005+8A>G

Gene: ATM (ATM serine/threonine kinase; plus strand). Cytogenetic location: 11q22.3.
Variant type: single nucleotide variant.
Coding change: c.5005+8A>G on transcript NM_000051.4 (MANE Select); 8 bases into the intron after coding-DNA position 5005, A replaced by G.
Molecular consequence: intron variant.
Genome position (GRCh38, 1-based): chr11:108,297,390, A>G. VCF-style: chr11-108297390-A-G. GRCh37 (hg19) VCF-style: chr11-108168117-A-G.
Other names: c.5005+8A>G (NM_001351834.2).
Identifiers: ClinVar variation 453551 (VCV000453551.18), dbSNP rs1204604787, ClinGen allele CA645569719.

ClinVar aggregate classification (germline): Likely benign. Review status: criteria provided, multiple submitters, no conflicts (2 of 4 stars). 5 submissions from 5 submitters: Likely benign (5). Last evaluated 2026-01-31.

Conditions:
Hereditary cancer-predisposing syndrome. Also called: Tumor predisposition; Hereditary Cancer Syndrome; Neoplastic Syndromes, Hereditary; Hereditary neoplastic syndrome. Identifiers: Orphanet 140162, MedGen C0027672, MeSH D009386, MONDO:0015356.
Familial cancer of breast. Also called: Hereditary breast cancer; hereditary breast carcinoma; BREAST CANCER, FAMILIAL. Identifiers: Orphanet 227535, MedGen C0346153, MONDO:0016419, OMIM 114480. Disease mechanism: loss of function.
Ataxia-telangiectasia syndrome (AT). Also called: Cerebello-oculocutaneous telangiectasia; Immunodeficiency with ataxia telangiectasia; Ataxia-telangiectasia, complementation group D; AT, COMPLEMENTATION GROUP C; Ataxia-telangiectasia, complementation group E; LOUIS-BAR SYNDROME. Identifiers: Orphanet 100, MedGen C0004135, MONDO:0008840, OMIM 208900.

Allele frequency attached by ClinVar (database versions not stated): gnomAD exomes 0.00001; TOPMed 0.00001; gnomAD 0.00002.
gnomAD v4.1: 10 of 1,605,268 alleles (0.00062%); highest among the groups gnomAD compares: African/African-American, 0.004%; no homozygotes.

Submissions (5):

Labcorp Genetics (formerly Invitae), Labcorp
Classification: Likely benign for Ataxia-telangiectasia syndrome. Last evaluated: 2026-01-31. Review status: criteria provided, single submitter. Criteria: Invitae Variant Classification Sherloc (09022015). Collection method: clinical testing. Allele origin: germline.

Women's Health and Genetics/Laboratory Corporation of America, LabCorp
Classification: Likely benign. Last evaluated: 2025-04-16. Review status: criteria provided, single submitter. Criteria: LabCorp Variant Classification Summary - May 2015. Collection method: clinical testing. Allele origin: germline.

Myriad Genetics, Inc.
Classification: Likely benign for Familial cancer of breast. Last evaluated: 2024-05-21. Review status: criteria provided, single submitter. Criteria: Myriad Autosomal Dominant, Autosomal Recessive and X-Linked Classification Criteria (2023). Collection method: clinical testing. Allele origin: unknown.
Comment: This variant is considered likely benign. This variant is intronic and is not expected to impact mRNA splicing.

GeneDx
Classification: Likely benign. Last evaluated: 2017-10-03. Review status: criteria provided, single submitter. Criteria: GeneDx Variant Classification (06012015). Collection method: clinical testing. Allele origin: germline. Affected: yes.
Comment: This variant is considered likely benign or benign based on one or more of the following criteria: it is a conservative change, it occurs at a poorly conserved position in the protein, it is predicted to be benign by multiple in silico algorithms, and/or has population frequency not consistent with disease.

Color Diagnostics, LLC DBA Color Health
Classification: Likely benign for Hereditary cancer-predisposing syndrome. Last evaluated: 2016-04-04. Review status: criteria provided, single submitter. Criteria: ACMG Guidelines, 2015. Collection method: clinical testing. Allele origin: germline.